The following is an entry in ClinVar:

ClinVar aggregate classification (germline): Uncertain significance. Review status: criteria provided, multiple submitters, no conflicts (2 of 4 stars). 2 submissions from 2 submitters: Uncertain significance (2). Last evaluated 2024-06-12.

Conditions:
Acyl-CoA oxidase deficiency. Also called: STRAIGHT-CHAIN ACYL-CoA OXIDASE DEFICIENCY; Pseudoneonatal adrenoleukodystrophy; Peroxisomal acyl-CoA oxidase deficiency. Identifiers: Orphanet 2971, MedGen C1849678, MONDO:0009919, OMIM 264470. Disease mechanism: loss of function.

Allele frequency attached by ClinVar (database versions not stated): 1000 Genomes Project below 0.00001; gnomAD exomes 0.00002 and 0.00014; gnomAD 0.00003; TOPMed 0.00003; ExAC 0.00012; 1000 Genomes Project 30x 0.00016.
gnomAD v4.1: 30 of 1,614,100 alleles (0.0019%); highest among the groups gnomAD compares: East Asian, 0.065%; no homozygotes.

Submissions (2):

Labcorp Genetics (formerly Invitae), Labcorp
Classification: Uncertain significance for Acyl-CoA oxidase deficiency. Last evaluated: 2024-06-12. Review status: criteria provided, single submitter. Criteria: Invitae Variant Classification Sherloc (09022015). Collection method: clinical testing. Allele origin: germline.
Comment: This sequence change replaces leucine, which is neutral and non-polar, with proline, which is neutral and non-polar, at codon 41 of the ACOX1 protein (p.Leu41Pro). This variant is present in population databases (rs572633541, gnomAD 0.2%). This variant has not been reported in the literature in individuals affected with ACOX1-related conditions. ClinVar contains an entry for this variant (Variation ID: 890851). Advanced modeling of protein sequence and biophysical properties (such as structural, functional, and spatial information, amino acid conservation, physicochemical variation, residue mobility, and thermodynamic stability) performed at Invitae indicates that this missense variant is not expected to disrupt ACOX1 protein function with a negative predictive value of 80%. In summary, the available evidence is currently insufficient to determine the role of this variant in disease. Therefore, it has been classified as a Variant of Uncertain Significance.

Illumina Laboratory Services, Illumina
Classification: Uncertain significance for Acyl-CoA oxidase deficiency. Last evaluated: 2018-01-12. Review status: criteria provided, single submitter. Criteria: ICSL Variant Classification Criteria 13 December 2019. Collection method: clinical testing. Allele origin: germline.

NM_004035.7(ACOX1):c.122T>C (p.Leu41Pro)

Gene: ACOX1 (acyl-CoA oxidase 1; minus strand). Cytogenetic location: 17q25.1.
Variant type: single nucleotide variant.
Coding change: c.122T>C on transcript NM_004035.7 (MANE Select); coding-DNA position 122, T replaced by C.
Protein change: p.Leu41Pro; replaces leucine 41 with proline.
Molecular consequence: missense variant.
Genome position (GRCh38, 1-based): chr17:75,978,681, A>G on the plus strand (T>C on the coding strand, the complement: ACOX1 is on the minus strand). VCF-style: chr17-75978681-A-G. GRCh37 (hg19) VCF-style: chr17-73974762-A-G.
Other names: c.8T>C, p.Leu3Pro (NM_001185039.2); c.122T>C, p.Leu41Pro (NM_007292.6); short protein forms L3P, L41P.
Identifiers: ClinVar variation 890851 (VCV000890851.6), dbSNP rs572633541, ClinGen allele CA8777118.
Genomic context (GRCh38, chr17:75,978,681, plus strand): 5'-TCATAACGCTGGCTGCGAGTGAGGAAGTTCAAGTCCTCATGCTGGAAGTCTGGGTCGTTC[A>G]GGATCATGTTCTCTGAAAGGGGGTTAAAGGGCATTAAAAGGCAGACAGACACTCGGGCCT-3'
Protein context (NP_004026.2, residues 31-51): RRRREIENMI[Leu41Pro]NDPDFQHEDL